The following is an entry in ClinVar:

NM_014049.5(ACAD9):c.1832A>G (p.Tyr611Cys)

Genes: ACAD9 (acyl-CoA dehydrogenase family member 9; plus strand), CFAP92 (cilia and flagella associated protein 92 (putative); minus strand). Cytogenetic location: 3q21.3.
Variant type: single nucleotide variant.
Coding change: c.1832A>G on transcript NM_014049.5 (MANE Select); coding-DNA position 1832, A replaced by G.
Protein change: p.Tyr611Cys; replaces tyrosine 611 with cysteine.
Molecular consequence: missense variant. On other transcripts: non-coding transcript variant (1), intron variant (3).
Genome position (GRCh38, 1-based): chr3:128,912,573, A>G. VCF-style: chr3-128912573-A-G. GRCh37 (hg19) VCF-style: chr3-128631416-A-G.
Other names: c.1463A>G, p.Tyr488Cys (NM_001410805.1); c.2312-2240T>C (NM_001348521.2); c.2408-2240T>C (NM_001348520.2); c.3281-2240T>C (NM_001394090.1); short protein forms Y611C, Y488C.
Identifiers: ClinVar variation 390412 (VCV000390412.20), dbSNP rs1057523761, ClinGen allele CA16604454.

ClinVar aggregate classification (germline): Conflicting classifications of pathogenicity. Review status: criteria provided, conflicting classifications (1 of 4 stars). 7 submissions from 7 submitters: Likely pathogenic (2); Uncertain significance (5). Last evaluated 2025-12-09.

Conditions:
Acyl-CoA dehydrogenase 9 deficiency. Also called: MITOCHONDRIAL COMPLEX I DEFICIENCY, NUCLEAR TYPE 20; Acyl-CoA dehydrogenase family, member 9, deficiency of. Identifiers: Orphanet 99901, MedGen C4747517, MONDO:0012624, OMIM 611126.

Allele frequency attached by ClinVar (database versions not stated): gnomAD exomes 0.00001; TOPMed 0.00001; gnomAD 0.00003.
gnomAD v4.1: 13 of 1,614,048 alleles (0.00081%); highest among the groups gnomAD compares: Admixed American, 0.0017%; no homozygotes.

Submissions (7):

Natera, Inc.
Classification: Likely pathogenic for ACAD9 deficiency. Last evaluated: 2025-12-09. Review status: criteria provided, single submitter. Criteria: Natera Variant Classification Schema (03/2026). Collection method: clinical testing. Allele origin: germline.
Comment: The c.1832A>G variant in ACAD9 is a missense variant predicted to cause substitution of tyrosine to cysteine at amino acid 611. This variant is rare in the general population with a frequency below the threshold expected for the associated phenotype(s). This variant has been observed in one or more individuals affected with the associated recessive disease, as either homozygous or compound heterozygous with a second variant (PMID: 31527676). Functional studies show that this variant may disrupt protein function (PMID: 34646991). Computational prediction algorithms indicate this variant is likely to affect gene or protein function. Given the available evidence, this variant is classified as Likely Pathogenic.

GeneDx
Classification: Uncertain significance. Last evaluated: 2025-01-30. Review status: criteria provided, single submitter. Criteria: GeneDx Variant Classification Process June 2021. Collection method: clinical testing. Allele origin: germline. Affected: yes.
Comment: Identified by whole exome sequencing in the presence of a second ACAD9 variant in an infant presenting prenatally with lissencephalopathy, agenesis of the corpus callosum, intrauterine growth restriction, and cardiomyopathy with approximately 20% ACAD9 protein level by Western blot analysis but nearly normal complex I activity (PMID: 30025539); Not observed at significant frequency in large population cohorts (gnomAD); In silico analysis supports that this missense variant has a deleterious effect on protein structure/function; This variant is associated with the following publications: (PMID: 30025539, 32746448, 27535533, 34646991, 37923198)

Labcorp Genetics (formerly Invitae), Labcorp
Classification: Uncertain significance. Last evaluated: 2024-12-07. Review status: criteria provided, single submitter. Criteria: Invitae Variant Classification Sherloc (09022015). Collection method: clinical testing. Allele origin: germline.
Comment: This sequence change replaces tyrosine, which is neutral and polar, with cysteine, which is neutral and slightly polar, at codon 611 of the ACAD9 protein (p.Tyr611Cys). This variant is present in population databases (no rsID available, gnomAD 0.003%). This missense change has been observed in individual(s) with ACAD9-related conditions (PMID: 30025539, 32746448). ClinVar contains an entry for this variant (Variation ID: 390412). Invitae Evidence Modeling of protein sequence and biophysical properties (such as structural, functional, and spatial information, amino acid conservation, physicochemical variation, residue mobility, and thermodynamic stability) indicates that this missense variant is not expected to disrupt ACAD9 protein function with a negative predictive value of 80%. In summary, the available evidence is currently insufficient to determine the role of this variant in disease. Therefore, it has been classified as a Variant of Uncertain Significance.

Baylor Genetics
Classification: Likely pathogenic for Acyl-CoA dehydrogenase 9 deficiency. Last evaluated: 2023-11-21. Review status: criteria provided, single submitter. Criteria: ACMG Guidelines, 2015. Collection method: clinical testing. Allele origin: unknown.

Revvity Omics, Revvity
Classification: Uncertain significance for Acyl-CoA dehydrogenase 9 deficiency. Last evaluated: 2022-10-19. Review status: criteria provided, single submitter. Criteria: ACMG Guidelines, 2015. Collection method: clinical testing. Allele origin: germline.

Women's Health and Genetics/Laboratory Corporation of America, LabCorp
Classification: Uncertain significance. Last evaluated: 2021-08-05. Review status: criteria provided, single submitter. Criteria: LabCorp Variant Classification Summary - May 2015. Collection method: clinical testing. Allele origin: germline.
Comment: Variant summary: ACAD9 c.1832A>G (p.Tyr611Cys) results in a non-conservative amino acid change in the encoded protein sequence. Four of five in-silico tools predict a damaging effect of the variant on protein function. The variant allele was found at a frequency of 8e-06 in 251486 control chromosomes. The available data on variant occurrences in the general population are insufficient to allow any conclusion about variant significance. c.1832A>G has been reported in the literature in one individual affected with ACAD9 deficiency. This report does not provide unequivocal conclusions about association of the variant with Mitochondrial Complex I Deficiency, Nuclear Type 20. To our knowledge, no experimental evidence demonstrating an impact on protein function has been reported. Two clinical diagnostic laboratories have submitted clinical-significance assessments for this variant to ClinVar after 2014 without evidence for independent evaluation. Both laboratories classified the variant as uncertain significance. Based on the evidence outlined above, the variant was classified as uncertain significance.

Illumina Laboratory Services, Illumina
Classification: Uncertain significance for Acyl-CoA dehydrogenase 9 deficiency. Last evaluated: 2018-01-12. Review status: criteria provided, single submitter. Criteria: ICSL Variant Classification Criteria 13 December 2019. Collection method: clinical testing. Allele origin: germline.

Literature cited by the submitters: PubMed 31527676 (cited by Natera, Inc.); PubMed 34646991 (cited by Natera, Inc.); PubMed 30025539 (cited by Labcorp Genetics (formerly Invitae), Labcorp and Women's Health and Genetics/Laboratory Corporation of America, LabCorp); PubMed 32746448 (cited by Labcorp Genetics (formerly Invitae), Labcorp).